The following is an entry in ClinVar:

ClinVar aggregate classification (germline): Benign (1 of 4 stars; one submission).

Allele frequency attached by ClinVar (database versions not stated): 1000 Genomes Project 0.13598; 1000 Genomes Project 30x 0.13898; gnomAD 0.18111; TOPMed 0.18705.
gnomAD v4.1: 27,790 of 152,172 alleles (18%); highest among the groups gnomAD compares: Middle Eastern, 29%; 2,688 homozygotes.

Submission:

Unidad de Genómica Garrahan, Hospital de Pediatría Garrahan
Classification: Benign. Last evaluated: 2024-01-24. Review status: criteria provided, single submitter. Criteria: ACMG Guidelines, 2015. Collection method: clinical testing. Allele origin: germline. Affected: no. Observed: 21 variant alleles.
Comment: This variant is classified as Benign based on local population frequency. This variant was detected in 22% of patients studied by a panel of primary immunodeficiencies. Number of patients: 21. Only high quality variants are reported.

NM_003183.6(ADAM17):c.98-408A>G

Gene: ADAM17 (ADAM metallopeptidase domain 17; minus strand). Cytogenetic location: 2p25.1.
Variant type: single nucleotide variant.
Coding change: c.98-408A>G on transcript NM_003183.6 (MANE Select); 408 bases into the intron before coding-DNA position 98, A replaced by G.
Molecular consequence: intron variant.
Genome position (GRCh38, 1-based): chr2:9,543,693, T>C on the plus strand (A>G on the coding strand, the complement: ADAM17 is on the minus strand). VCF-style: chr2-9543693-T-C. GRCh37 (hg19) VCF-style: chr2-9683822-T-C.
Other names: c.-583-408A>G (NM_001382777.1); c.-825-408A>G (NM_001382778.1).
Identifiers: ClinVar variation 2688327 (VCV002688327.2), dbSNP rs62119377, ClinGen allele CA11312072.